The following is an entry in ClinVar:

NM_020975.6(RET):c.874G>A (p.Val292Met)

Gene: RET (ret proto-oncogene; plus strand). Cytogenetic location: 10q11.21.
Variant type: single nucleotide variant.
Coding change: c.874G>A on transcript NM_020975.6 (MANE Select); coding-DNA position 874, G replaced by A.
Protein change: p.Val292Met; replaces valine 292 with methionine.
Molecular consequence: missense variant.
Genome position (GRCh38, 1-based): chr10:43,106,382, G>A. VCF-style: chr10-43106382-G-A. GRCh37 (hg19) VCF-style: chr10-43601830-G-A.
Other names: c.874G>A, p.Val292Met (NM_000323.2, NM_001406743.1, NM_001406744.1 and 6 more transcripts); c.112G>A, p.Val38Met (NM_001355216.2); c.745G>A, p.Val249Met (NM_001406761.1, NM_001406762.1, NM_001406764.1 and 1 more transcripts); c.586G>A, p.Val196Met (NM_001406766.1, NM_001406767.1, NM_001406770.1); short protein forms V38M, V196M, V249M.
Identifiers: ClinVar variation 24880 (VCV000024880.76), dbSNP rs34682185, ClinGen allele CA009374.
Genomic context (GRCh38, chr10:43,106,382, plus strand): 5'-GGGTCTGAGGGGCCCATCTCGCCTGCACTGACCAACGCCCTCTGCATCCTGCAGGACACC[G>A]TGGTGGCCACGCTGCGTGTCTTCGATGCAGACGTGGTACCTGCATCAGGGGAGCTGGTGA-3'
Protein context (NP_066124.1, residues 282-302): VVEFKRKEDT[Val292Met]VATLRVFDAD

ClinVar aggregate classification (germline): Conflicting classifications of pathogenicity. Review status: criteria provided, conflicting classifications (1 of 4 stars). 22 submissions from 19 submitters: Uncertain significance (4); Benign (6); Likely benign (10). 2 of the submissions do not count toward it. Last evaluated 2026-02-03.

Conditions:
Hereditary cancer-predisposing syndrome. Also called: Neoplastic Syndromes, Hereditary; Tumor predisposition; Hereditary neoplastic syndrome; Hereditary Cancer Syndrome. Identifiers: Orphanet 140162, MedGen C0027672, MeSH D009386, MONDO:0015356.
Hereditary cancer. Identifiers: MedGen C1333600.
Multiple endocrine neoplasia. Identifiers: Orphanet 276161, MedGen C0027662, MONDO:0017169.
Multiple endocrine neoplasia, type 2 (MEN2). Identifiers: Orphanet 653, MedGen C4048306, MONDO:0019003. Disease mechanism: gain of function.
Hirschsprung disease, susceptibility to, 1 (HSCR1). Also called: RET-Related Hirschsprung Disease. Identifiers: Orphanet 388, MedGen C3888239, MONDO:0007723, OMIM 142623.
Multiple endocrine neoplasia type 2A. Also called: MULTIPLE ENDOCRINE NEOPLASIA, TYPE IIA; PTC SYNDROME; SIPPLE SYNDROME; MEN 2A; MEN-2A syndrome; Pheochromocytoma and amyloid producing medullary thyroid carcinoma. Identifiers: Orphanet 247698, Orphanet 653, MedGen C0025268, MeSH D018813, MONDO:0008234, OMIM 171400.
Multiple endocrine neoplasia type 2B. Also called: MEN 2B; Multiple endocrine neoplasia, type 3; MULTIPLE ENDOCRINE NEOPLASIA, TYPE IIB; MUCOSAL NEUROMA SYNDROME; NEUROMATA, MUCOSAL, WITH ENDOCRINE TUMORS; WAGENMANN-FROBOESE SYNDROME. Identifiers: Orphanet 247709, Orphanet 653, MedGen C0025269, MeSH D018814, MONDO:0008082, OMIM 162300.
Pheochromocytoma. Also called: MAX-Related Hereditary Paraganglioma-Pheochromocytoma Syndrome. Identifiers: Orphanet 29072, MedGen C0031511, MONDO:0008233, OMIM 171300, HP:0002666.
Renal hypodysplasia/aplasia 1 (RHDA1). Also called: RENAL APLASIA; HEREDITARY RENAL APLASIA. Identifiers: Orphanet 411709, MedGen C1619700, MONDO:0024519, OMIM 191830.

Allele frequency attached by ClinVar (database versions not stated): ExAC 0.00056; gnomAD exomes 0.00063; 1000 Genomes Project 30x 0.00375; gnomAD 0.00038 and 0.00023; TOPMed 0.00031; 1000 Genomes Project 0.00379.
gnomAD v4.1: 365 of 1,610,770 alleles (0.023%); highest among the groups gnomAD compares: East Asian, 0.44%; 5 homozygotes.

Submissions 1 to 17 of 22:

Labcorp Genetics (formerly Invitae), Labcorp
Classification: Benign for Multiple endocrine neoplasia, type 2. Last evaluated: 2026-02-03. Review status: criteria provided, single submitter. Criteria: Invitae Variant Classification Sherloc (09022015). Collection method: clinical testing. Allele origin: germline.

CeGaT Center for Human Genetics Tuebingen
Classification: Benign. Last evaluated: 2026-02-01. Review status: criteria provided, single submitter. Criteria: CeGaT Center For Human Genetics Tuebingen Variant Classification Criteria Version 2. Collection method: clinical testing. Allele origin: germline. Affected: yes. Observed: 2 variant alleles.
Comment: RET: BS1, BS2

Myriad Genetics, Inc.
Classification: Likely benign for Multiple endocrine neoplasia type 2A. Last evaluated: 2025-02-25. Review status: criteria provided, single submitter. Criteria: Myriad Autosomal Dominant, Autosomal Recessive and X-Linked Classification Criteria (2023). Collection method: clinical testing. Allele origin: unknown.
Comment: This variant is considered likely benign. This variant has been observed at a population frequency that is significantly greater than expected given the associated disease prevalence and penetrance.

Blueprint Genetics
Classification: Likely benign. Last evaluated: 2024-10-25. Review status: criteria provided, single submitter. Criteria: ACMG Guidelines, 2015. Collection method: clinical testing. Allele origin: germline.

Women's Health and Genetics/Laboratory Corporation of America, LabCorp
Classification: Likely benign. Last evaluated: 2024-03-02. Review status: criteria provided, single submitter. Criteria: LabCorp Variant Classification Summary - May 2015. Collection method: clinical testing. Allele origin: germline.

Mendelics
Classification: Likely benign for Hereditary cancer. Last evaluated: 2024-01-23. Review status: criteria provided, single submitter. Criteria: ACMG Guidelines, 2015. Collection method: clinical testing. Allele origin: unknown.

Molecular Pathology, Peter Maccallum Cancer Centre
Classification: Likely benign for Multiple endocrine neoplasia, type 2. Last evaluated: 2024-01-16. Review status: criteria provided, single submitter. Criteria: ACMG Guidelines, 2015. Collection method: clinical testing. Allele origin: germline. Inheritance: Autosomal dominant inheritance.

Quest Diagnostics Nichols Institute San Juan Capistrano
Classification: Benign. Last evaluated: 2023-06-19. Review status: criteria provided, single submitter. Criteria: Quest Diagnostics criteria. Collection method: clinical testing. Allele origin: unknown.
Comment: The frequency of this variant in the general population is higher than would generally be expected for pathogenic variants in this gene. This variant has been seen where an alternate explanation for disease was also identified (PMID: 21655256; 32989896). This variant does not segregate with disease in at least one family (PMID: 32989896). Assessment of experimental evidence suggests this variant results in abnormal protein function (PMID: 20039896).

Color Diagnostics, LLC DBA Color Health
Classification: Benign for Multiple endocrine neoplasia, type 2. Last evaluated: 2022-11-06. Review status: criteria provided, single submitter. Criteria: ACMG Guidelines, 2015. Collection method: clinical testing. Allele origin: germline.

Sema4
Classification: Uncertain significance for Hereditary cancer-predisposing syndrome. Last evaluated: 2021-12-02. Review status: criteria provided, single submitter. Criteria: Sema4 Curation Guidelines. Collection method: curation. Allele origin: germline.
Comment: The RET c.874G>A (p.V292M) variant has been reported in heterozygosity in multiple individuals with medullary thyroid carcinoma and/or pheochromocytoma (PMID: 20039896, 21655256, 29420094, 32989896, 33340421, 23849459). However, this variant often co-occurs with other RET variants (PMID: 21655256, 29420094, 32989896, 23849459) and does not always segregate with disease (PMID: 29420094, 32989896). It has also been reported in healthy patients and in those without a RET-related phenotype (PMID: 22703879, 24728327, 26332594, 25985138, 27077130, 31019283). Functional studies have shown that this variant alters the phosphotyrosine reactivity compared to wild type (PMID: 20039896, 32989896). This variant was observed in 140/19836 chromosomes in the East Asian population according to the Genome Aggregation Database (PMID: 32461654). The variant has been reported in ClinVar (Variation ID: 24880). The overall evidence is inconsistent with ACMG/AMP requirements for a classification of benign or pathogenic. In summary, the clinical significance of this variant is currently uncertain.

Institute for Clinical Genetics, University Hospital TU Dresden, University Hospital TU Dresden
Classification: Uncertain significance. Last evaluated: 2021-11-03. Review status: criteria provided, single submitter. Criteria: ACMG Guidelines, 2015. Collection method: clinical testing. Allele origin: germline.

Ambry Genetics
Classification: Benign for Hereditary cancer-predisposing syndrome. Last evaluated: 2021-07-16. Review status: criteria provided, single submitter. Criteria: Ambry Variant Classification Scheme 2023. Collection method: clinical testing. Allele origin: germline.

Equipe Genetique des Anomalies du Developpement, Université de Bourgogne
Classification: Uncertain significance for Multiple endocrine neoplasia type 2B. Last evaluated: 2018-11-21. Review status: criteria provided, single submitter. Criteria: ACMG Guidelines, 2015. Collection method: clinical testing. Allele origin: unknown.

Illumina Laboratory Services, Illumina
Classification: Likely benign for Renal hypodysplasia/aplasia 1. Last evaluated: 2018-06-04. Review status: criteria provided, single submitter. Criteria: ICSL Variant Classification Criteria 13 December 2019. Collection method: clinical testing. Allele origin: germline.
Comment: This variant was observed as part of a predisposition screen in an ostensibly healthy population. A literature search was performed for the gene, cDNA change, and amino acid change (where applicable). Publications were found based on this search. The evidence from the literature, in combination with allele frequency data from public databases where available, was sufficient to determine this variant is unlikely to cause disease. Therefore, this variant is classified as likely benign.

Illumina Laboratory Services, Illumina
Classification: Likely benign for Pheochromocytoma. Last evaluated: 2018-06-04. Review status: criteria provided, single submitter. Criteria: ICSL Variant Classification Criteria 13 December 2019. Collection method: clinical testing. Allele origin: germline.
Comment: the same text as in the submission from Illumina Laboratory Services, Illumina above.

Illumina Laboratory Services, Illumina
Classification: Likely benign for Hirschsprung disease, susceptibility to, 1. Last evaluated: 2018-06-04. Review status: criteria provided, single submitter. Criteria: ICSL Variant Classification Criteria 13 December 2019. Collection method: clinical testing. Allele origin: germline.
Comment: the same text as in the submission from Illumina Laboratory Services, Illumina above.

Illumina Laboratory Services, Illumina
Classification: Likely benign for Multiple endocrine neoplasia. Last evaluated: 2018-06-04. Review status: criteria provided, single submitter. Criteria: ICSL Variant Classification Criteria 13 December 2019. Collection method: clinical testing. Allele origin: germline.
Comment: the same text as in the submission from Illumina Laboratory Services, Illumina above.